The following is an entry in ClinVar:

NM_001374736.1(DST):c.20659A>G (p.Asn6887Asp)

Gene: DST (dystonin; minus strand). Cytogenetic location: 6p12.1.
Variant type: single nucleotide variant.
Coding change: c.20659A>G on transcript NM_001374736.1 (MANE Select); coding-DNA position 20659, A replaced by G.
Protein change: p.Asn6887Asp; replaces asparagine 6887 with aspartic acid.
Molecular consequence: missense variant.
Genome position (GRCh38, 1-based): chr6:56,492,325, T>C on the plus strand (A>G on the coding strand, the complement: DST is on the minus strand). VCF-style: chr6-56492325-T-C. GRCh37 (hg19) VCF-style: chr6-56357123-T-C.
Other names: c.14302A>G, p.Asn4768Asp (NM_001144769.5); c.13888A>G, p.Asn4630Asp (NM_001144770.2); c.20659A>G, p.Asn6887Asp (NM_001374722.1); c.19699A>G, p.Asn6567Asp (NM_001374729.1); c.13441A>G, p.Asn4481Asp (NM_001374730.1); c.20686A>G, p.Asn6896Asp (NM_001374734.1); c.12790A>G, p.Asn4264Asp (NM_015548.5); c.13768A>G, p.Asn4590Asp (NM_183380.4); short protein forms N4590D, N6896D, N4264D, N4481D, N4768D, N6567D, N4630D, N6887D.
Identifiers: ClinVar variation 966541 (VCV000966541.8), dbSNP rs2095777312, ClinGen allele CA364515350.

ClinVar aggregate classification (germline): Uncertain significance (1 of 4 stars; one submission).

Conditions:
Hereditary sensory and autonomic neuropathy type 6. Also called: Neuropathy, hereditary sensory and autonomic, type VI; HSAN VI. Identifiers: Orphanet 314381, MedGen C3539003, MONDO:0013839, OMIM 614653.
Epidermolysis bullosa simplex 3, localized or generalized intermediate, with BP230 deficiency (EBS3). Also called: Epidermolysis bullosa simplex, autosomal recessive 2; Epidermolysis bullosa simplex due to BP230 deficiency. Identifiers: Orphanet 412181, MedGen C3809470, MONDO:0014180, OMIM 615425.

Submission:

Labcorp Genetics (formerly Invitae), Labcorp
Classification: Uncertain significance for Epidermolysis bullosa simplex 3, localized or generalized intermediate, with BP230 deficiency; Hereditary sensory and autonomic neuropathy type 6. Last evaluated: 2019-12-31. Review status: criteria provided, single submitter. Criteria: Invitae Variant Classification Sherloc (09022015). Collection method: clinical testing. Allele origin: germline.
Comment: In summary, the available evidence is currently insufficient to determine the role of this variant in disease. Therefore, it has been classified as a Variant of Uncertain Significance. Experimental studies and prediction algorithms are not available or were not evaluated, and the functional significance of this variant is currently unknown. This variant has not been reported in the literature in individuals with DST-related conditions. This variant is not present in population databases (ExAC no frequency). This sequence change replaces asparagine with aspartic acid at codon 4264 of the DST protein (p.Asn4264Asp). The asparagine residue is highly conserved and there is a small physicochemical difference between the two amino acids. The DST gene has multiple clinically relevant transcripts. This variant occurs in alternate transcript NM_015548.4, and corresponds to NM_001723.5:c.*123192A>G in the primary transcript.